The following is an entry in ClinVar:

NM_002485.5(NBN):c.266G>A (p.Arg89Gln)

Gene: NBN (nibrin; minus strand). Cytogenetic location: 8q21.3.
Variant type: single nucleotide variant.
Coding change: c.266G>A on transcript NM_002485.5 (MANE Select); coding-DNA position 266, G replaced by A.
Protein change: p.Arg89Gln; replaces arginine 89 with glutamine.
Molecular consequence: missense variant.
Genome position (GRCh38, 1-based): chr8:89,981,429, C>T on the plus strand (G>A on the coding strand, the complement: NBN is on the minus strand). VCF-style: chr8-89981429-C-T. GRCh37 (hg19) VCF-style: chr8-90993657-C-T.
Other names: c.20G>A, p.Arg7Gln (NM_001024688.3); short protein forms R89Q, R7Q.
Identifiers: ClinVar variation 221045 (VCV000221045.21), dbSNP rs747315554, ClinGen allele CA348406.

ClinVar aggregate classification (germline): Conflicting classifications of pathogenicity. Review status: criteria provided, conflicting classifications (1 of 4 stars). 8 submissions from 8 submitters: Uncertain significance (6); Likely benign (1). 1 of the submissions does not count toward it. Last evaluated 2024-09-05.

Conditions:
Hereditary cancer-predisposing syndrome. Also called: Tumor predisposition; Hereditary neoplastic syndrome; Neoplastic Syndromes, Hereditary; Hereditary Cancer Syndrome. Identifiers: Orphanet 140162, MedGen C0027672, MeSH D009386, MONDO:0015356.
Microcephaly, normal intelligence and immunodeficiency (NBS). Also called: Immunodeficiency, microcephaly with normal intelligence; BERLIN BREAKAGE SYNDROME; IMMUNODEFICIENCY, MICROCEPHALY, AND CHROMOSOMAL INSTABILITY; SEEMANOVA SYNDROME II; Ataxia telangiectasia variant V1; Nijmegen breakage syndrome. Identifiers: Orphanet 647, MedGen C0398791, MONDO:0009623, OMIM 251260.

gnomAD v4.1: 16 of 1,613,884 alleles (0.00099%); highest among the groups gnomAD compares: African/African-American, 0.0013%; no homozygotes.

Submissions (8):

Labcorp Genetics (formerly Invitae), Labcorp
Classification: Uncertain significance for Microcephaly, normal intelligence and immunodeficiency. Last evaluated: 2024-09-05. Review status: criteria provided, single submitter. Criteria: Invitae Variant Classification Sherloc (09022015). Collection method: clinical testing. Allele origin: germline.
Comment: This sequence change replaces arginine, which is basic and polar, with glutamine, which is neutral and polar, at codon 89 of the NBN protein (p.Arg89Gln). This variant is present in population databases (rs747315554, gnomAD 0.007%). This missense change has been observed in individual(s) with NBN-related conditions (PMID: 35264596, 36346689). ClinVar contains an entry for this variant (Variation ID: 221045). An algorithm developed to predict the effect of missense changes on protein structure and function outputs the following: PolyPhen-2: "Benign". The glutamine amino acid residue is found in multiple mammalian species, which suggests that this missense change does not adversely affect protein function. In summary, the available evidence is currently insufficient to determine the role of this variant in disease. Therefore, it has been classified as a Variant of Uncertain Significance.

GeneDx
Classification: Uncertain significance. Last evaluated: 2022-12-02. Review status: criteria provided, single submitter. Criteria: GeneDx Variant Classification Process June 2021. Collection method: clinical testing. Allele origin: germline. Affected: yes.
Comment: Not observed at significant frequency in large population cohorts (gnomAD); In silico analysis supports that this missense variant does not alter protein structure/function; Has not been previously published as pathogenic or benign to our knowledge; This variant is associated with the following publications: (PMID: 27149842, 24894818)

Institute for Biomarker Research, Medical Diagnostic Laboratories, L.L.C.
Classification: Uncertain significance for Hereditary cancer-predisposing syndrome. Last evaluated: 2022-08-18. Review status: criteria provided, single submitter. Criteria: ACMG Guidelines, 2015. Collection method: clinical testing. Allele origin: germline.

Quest Diagnostics Nichols Institute San Juan Capistrano
Classification: Uncertain significance. Last evaluated: 2022-07-09. Review status: criteria provided, single submitter. Criteria: Quest Diagnostics criteria. Collection method: clinical testing. Allele origin: unknown.

Genome-Nilou Lab
Classification: Uncertain significance for Microcephaly, normal intelligence and immunodeficiency. Last evaluated: 2021-11-07. Review status: criteria provided, single submitter. Criteria: ACMG Guidelines, 2015. Collection method: clinical testing. Allele origin: germline. Affected: no.

Mendelics
Classification: Uncertain significance for Microcephaly, normal intelligence and immunodeficiency. Last evaluated: 2018-07-02. Review status: criteria provided, single submitter. Criteria: Mendelics Assertion Criteria 2017. Collection method: clinical testing. Allele origin: unknown.

Ambry Genetics
Classification: Likely benign for Hereditary cancer-predisposing syndrome. Last evaluated: 2018-01-15. Review status: criteria provided, single submitter. Criteria: Ambry Variant Classification Scheme 2023. Collection method: clinical testing. Allele origin: germline.

Counsyl
Classification: Uncertain significance for Microcephaly, normal intelligence and immunodeficiency. Last evaluated: 2017-02-01. Review status: no assertion criteria provided. Collection method: clinical testing. Allele origin: unknown. Not counted in ClinVar's aggregate classification.

Literature cited by the submitters: PubMed 35264596 (cited by Labcorp Genetics (formerly Invitae), Labcorp); PubMed 36346689 (cited by Labcorp Genetics (formerly Invitae), Labcorp); PubMed 33471991 (cited by Quest Diagnostics Nichols Institute San Juan Capistrano).